The following is an entry in ClinVar:

ClinVar aggregate classification (germline): Likely benign (0 of 4 stars; one submission).

Conditions:
TPCN2-related condition.

gnomAD v4.1: 212 of 1,614,184 alleles (0.013%); highest among the groups gnomAD compares: African/African-American, 0.27%; 2 homozygotes.

Submission:

PreventionGenetics, part of Exact Sciences
Classification: Likely benign for TPCN2-related condition. Last evaluated: 2024-08-26. Review status: no assertion criteria provided. Collection method: clinical testing. Allele origin: germline.
Comment: This variant is classified as likely benign based on ACMG/AMP sequence variant interpretation guidelines (Richards et al. 2015 PMID: 25741868, with internal and published modifications).

NM_139075.4(TPCN2):c.1925C>G (p.Ala642Gly)

Gene: TPCN2 (two pore segment channel 2; plus strand). Cytogenetic location: 11q13.3.
Variant type: single nucleotide variant.
Coding change: c.1925C>G on transcript NM_139075.4 (MANE Select); coding-DNA position 1925, C replaced by G.
Protein change: p.Ala642Gly; replaces alanine 642 with glycine.
Molecular consequence: missense variant.
Genome position (GRCh38, 1-based): chr11:69,085,852, C>G. VCF-style: chr11-69085852-C-G. GRCh37 (hg19) VCF-style: chr11-68853320-C-G.
Other names: short protein forms A642G.
Identifiers: ClinVar variation 3353949 (VCV003353949.1).